The following is an entry in ClinVar:

ClinVar aggregate classification (germline): Uncertain significance. Review status: criteria provided, multiple submitters, no conflicts (2 of 4 stars). 2 submissions from 2 submitters: Uncertain significance (2). Last evaluated 2023-07-20.

Conditions:
Early-infantile DEE. Also called: Early infantile epileptic encephalopathy; Ohtahara syndrome; Early infantile epileptic encephalopathy with suppression bursts. Identifiers: Orphanet 1934, MedGen C0393706, MONDO:0800491.

Allele frequency attached by ClinVar (database versions not stated): TOPMed 0.00001.
gnomAD v4.1: 15 of 1,613,840 alleles (0.00093%); highest among the groups gnomAD compares: Non-Finnish European, 0.0013%; no homozygotes.

Submissions (2):

Labcorp Genetics (formerly Invitae), Labcorp
Classification: Uncertain significance for Early-infantile DEE. Last evaluated: 2023-07-20. Review status: criteria provided, single submitter. Criteria: Invitae Variant Classification Sherloc (09022015). Collection method: clinical testing. Allele origin: germline.
Comment: This sequence change replaces alanine, which is neutral and non-polar, with glutamic acid, which is acidic and polar, at codon 670 of the HCN1 protein (p.Ala670Glu). In summary, the available evidence is currently insufficient to determine the role of this variant in disease. Therefore, it has been classified as a Variant of Uncertain Significance. Advanced modeling of protein sequence and biophysical properties (such as structural, functional, and spatial information, amino acid conservation, physicochemical variation, residue mobility, and thermodynamic stability) performed at Invitae indicates that this missense variant is not expected to disrupt HCN1 protein function. ClinVar contains an entry for this variant (Variation ID: 404098). This variant has not been reported in the literature in individuals affected with HCN1-related conditions. This variant is present in population databases (no rsID available, gnomAD 0.007%).

CeGaT Center for Human Genetics Tuebingen
Classification: Uncertain significance. Last evaluated: 2022-10-01. Review status: criteria provided, single submitter. Criteria: CeGaT Center For Human Genetics Tuebingen Variant Classification Criteria Version 2. Collection method: clinical testing. Allele origin: germline. Affected: yes. Observed: 1 variant allele.
Comment: HCN1: PP2

NM_021072.4(HCN1):c.2009C>A (p.Ala670Glu)

Gene: HCN1 (hyperpolarization activated cyclic nucleotide gated potassium channel 1; minus strand). Cytogenetic location: 5p12.
Variant type: single nucleotide variant.
Coding change: c.2009C>A on transcript NM_021072.4 (MANE Select); coding-DNA position 2009, C replaced by A.
Protein change: p.Ala670Glu; replaces alanine 670 with glutamic acid.
Molecular consequence: missense variant.
Genome position (GRCh38, 1-based): chr5:45,262,585, G>T on the plus strand (C>A on the coding strand, the complement: HCN1 is on the minus strand). VCF-style: chr5-45262585-G-T. GRCh37 (hg19) VCF-style: chr5-45262687-G-T.
Other names: short protein forms A670E.
Identifiers: ClinVar variation 404098 (VCV000404098.35), dbSNP rs142280884, ClinGen allele CA16612072.